The following is an entry in ClinVar:

NM_000126.4(ETFA):c.693dup (p.Lys232Ter)

Gene: ETFA (electron transfer flavoprotein subunit alpha; minus strand). Cytogenetic location: 15q24.2.
Variant type: Duplication.
Coding change: c.693dup on transcript NM_000126.4 (MANE Select); coding-DNA position 693, one base duplicated (T; older notation c.693dupT).
Protein change: p.Lys232Ter; replaces lysine 232 with a stop codon.
Molecular consequence: nonsense.
Genome position (GRCh38, 1-based): chr15:76,283,797, A duplicated on the plus strand (T on the coding strand, the reverse complement: ETFA is on the minus strand); the first of 3 consecutive A bases (chr15:76,283,797-76,283,799); duplicating any one gives the same sequence. VCF-style (leftmost placement, unchanged base first): chr15-76283796-T-TA. GRCh37 (hg19) VCF-style: chr15-76576137-T-TA.
Other names: c.693dupT (NM_000126.3); c.546dup, p.Lys183Ter (NM_001127716.2); short protein forms K232*, K183*.
Identifiers: ClinVar variation 1451237 (VCV001451237.8), dbSNP rs754050501, ClinGen allele CA7673653.

ClinVar aggregate classification (germline): Pathogenic/Likely pathogenic. Review status: criteria provided, multiple submitters, no conflicts (2 of 4 stars). 3 submissions from 3 submitters: Pathogenic (1); Likely pathogenic (2). Last evaluated 2024-12-18.

Conditions:
Multiple acyl-CoA dehydrogenase deficiency (MADD). Also called: ETHYLMALONIC-ADIPICACIDURIA; GA II; Glutaric acidemia type II; GA 2; Glutaric Acidemia type 2; Glutaric aciduria, type 2. Identifiers: Orphanet 26791, MedGen C0268596, MONDO:0009282, OMIM 231680.
Glutaric acidemia type 2A.

Submissions (3):

Labcorp Genetics (formerly Invitae), Labcorp
Classification: Pathogenic for Multiple acyl-CoA dehydrogenase deficiency. Last evaluated: 2024-12-18. Review status: criteria provided, single submitter. Criteria: Invitae Variant Classification Sherloc (09022015). Collection method: clinical testing. Allele origin: germline.
Comment: This sequence change creates a premature translational stop signal (p.Lys232*) in the ETFA gene. It is expected to result in an absent or disrupted protein product. Loss-of-function variants in ETFA are known to be pathogenic (PMID: 16510302, 23785301). This variant is present in population databases (rs754050501, gnomAD 0.006%). This variant has not been reported in the literature in individuals affected with ETFA-related conditions. ClinVar contains an entry for this variant (Variation ID: 1451237). For these reasons, this variant has been classified as Pathogenic.

Natera, Inc.
Classification: Likely pathogenic for Glutaric acidemia type 2A. Last evaluated: 2024-05-14. Review status: criteria provided, single submitter. Criteria: Natera Variant Classification Schema (03/2026). Collection method: clinical testing. Allele origin: germline.
Comment: The c.693dupT variant in ETFA is a frameshift variant predicted to shift the reading frame and introduce a stop codon. This variant is expected to result in nonsense mediated decay, truncation, or a dysfunctional protein product. This variant is rare in the general population with a frequency below the threshold expected for the associated phenotype(s). Given the available evidence, this variant is classified as Likely Pathogenic.

Baylor Genetics
Classification: Likely pathogenic for Multiple acyl-CoA dehydrogenase deficiency. Last evaluated: 2024-03-21. Review status: criteria provided, single submitter. Criteria: ACMG Guidelines, 2015. Collection method: clinical testing. Allele origin: unknown.

Literature cited by the submitters: PubMed 16510302 (cited by Labcorp Genetics (formerly Invitae), Labcorp); PubMed 23785301 (cited by Labcorp Genetics (formerly Invitae), Labcorp).